The following is an entry in ClinVar:

NM_006904.7(PRKDC):c.610C>G (p.Leu204Val)

Gene: PRKDC (protein kinase, DNA-activated, catalytic subunit; minus strand). Cytogenetic location: 8q11.21.
Variant type: single nucleotide variant.
Coding change: c.610C>G on transcript NM_006904.7 (MANE Select); coding-DNA position 610, C replaced by G.
Protein change: p.Leu204Val; replaces leucine 204 with valine.
Molecular consequence: missense variant.
Genome position (GRCh38, 1-based): chr8:47,953,818, G>C on the plus strand (C>G on the coding strand, the complement: PRKDC is on the minus strand). VCF-style: chr8-47953818-G-C. GRCh37 (hg19) VCF-style: chr8-48866378-G-C.
Other names: c.610C>G, p.Leu204Val (NM_001081640.2); short protein forms L204V.
Identifiers: ClinVar variation 2002431 (VCV002002431.4), dbSNP rs757125369, ClinGen allele CA4741985.

ClinVar aggregate classification (germline): Uncertain significance (1 of 4 stars; one submission).

Conditions:
Severe combined immunodeficiency due to DNA-PKcs deficiency. Also called: Immunodeficiency 26 with or without neurologic abnormalities; IMMUNODEFICIENCY 26 WITH NEUROLOGIC ABNORMALITIES. Identifiers: Orphanet 317425, MedGen C4014833, MONDO:0014423, OMIM 615966.

gnomAD v4.1: 1 of 1,572,142 alleles (0.000064%); highest among the groups gnomAD compares: East Asian, 0.0023%; no homozygotes.

Submission:

Labcorp Genetics (formerly Invitae), Labcorp
Classification: Uncertain significance for Severe combined immunodeficiency due to DNA-PKcs deficiency. Last evaluated: 2022-06-04. Review status: criteria provided, single submitter. Criteria: Invitae Variant Classification Sherloc (09022015). Collection method: clinical testing. Allele origin: germline.
Comment: This sequence change replaces leucine, which is neutral and non-polar, with valine, which is neutral and non-polar, at codon 204 of the PRKDC protein (p.Leu204Val). This variant is not present in population databases (gnomAD no frequency). This variant has not been reported in the literature in individuals affected with PRKDC-related conditions. Experimental studies and prediction algorithms are not available or were not evaluated, and the functional significance of this variant is currently unknown. In summary, the available evidence is currently insufficient to determine the role of this variant in disease. Therefore, it has been classified as a Variant of Uncertain Significance.